The following is an entry in ClinVar:

NM_000215.4(JAK3):c.859G>A (p.Glu287Lys)

Gene: JAK3 (Janus kinase 3; minus strand). Cytogenetic location: 19p13.11.
Variant type: single nucleotide variant.
Coding change: c.859G>A on transcript NM_000215.4 (MANE Select); coding-DNA position 859, G replaced by A.
Protein change: p.Glu287Lys; replaces glutamic acid 287 with lysine.
Molecular consequence: missense variant.
Genome position (GRCh38, 1-based): chr19:17,842,318, C>T on the plus strand (G>A on the coding strand, the complement: JAK3 is on the minus strand). VCF-style: chr19-17842318-C-T. GRCh37 (hg19) VCF-style: chr19-17953127-C-T.
Other names: short protein forms E287K.
Identifiers: ClinVar variation 1020697 (VCV001020697.8), dbSNP rs776551276, ClinGen allele CA9302075.

ClinVar aggregate classification (germline): Uncertain significance (1 of 4 stars; one submission).

Conditions:
T-B+ severe combined immunodeficiency due to JAK3 deficiency. Also called: SCID, autosomal recessive, T-negative/B-positive type; SCID, T CELL-NEGATIVE, B CELL-POSITIVE, NK CELL-NEGATIVE. Identifiers: Orphanet 35078, MedGen C1833275, MONDO:0010938, OMIM 600802.

Allele frequency attached by ClinVar (database versions not stated): gnomAD exomes below 0.00001; ExAC 0.00002.
gnomAD v4.1: 3 of 1,582,254 alleles (0.00019%); highest among the groups gnomAD compares: South Asian, 0.0023%; no homozygotes.

Submission:

Labcorp Genetics (formerly Invitae), Labcorp
Classification: Uncertain significance for T-B+ severe combined immunodeficiency due to JAK3 deficiency. Last evaluated: 2020-10-19. Review status: criteria provided, single submitter. Criteria: Invitae Variant Classification Sherloc (09022015). Collection method: clinical testing. Allele origin: germline.
Comment: This sequence change replaces glutamic acid with lysine at codon 287 of the JAK3 protein (p.Glu287Lys). The glutamic acid residue is moderately conserved and there is a small physicochemical difference between glutamic acid and lysine. This variant is present in population databases (rs776551276, ExAC 0.01%). In summary, the available evidence is currently insufficient to determine the role of this variant in disease. Therefore, it has been classified as a Variant of Uncertain Significance. Algorithms developed to predict the effect of missense changes on protein structure and function (SIFT, PolyPhen-2, Align-GVGD) all suggest that this variant is likely to be tolerated, but these predictions have not been confirmed by published functional studies and their clinical significance is uncertain. This variant has not been reported in the literature in individuals with JAK3-related conditions.